The following is an entry in ClinVar:

NM_000232.5(SGCB):c.863G>T (p.Cys288Phe)

Gene: SGCB (sarcoglycan beta; minus strand). Cytogenetic location: 4q12.
Variant type: single nucleotide variant.
Coding change: c.863G>T on transcript NM_000232.5 (MANE Select); coding-DNA position 863, G replaced by T.
Protein change: p.Cys288Phe; replaces cysteine 288 with phenylalanine.
Molecular consequence: missense variant.
Genome position (GRCh38, 1-based): chr4:52,024,051, C>A on the plus strand (G>T on the coding strand, the complement: SGCB is on the minus strand). VCF-style: chr4-52024051-C-A. GRCh37 (hg19) VCF-style: chr4-52890217-C-A.
Other names: short protein forms C288F.
Identifiers: ClinVar variation 2191739 (VCV002191739.4), dbSNP rs1296865393, ClinGen allele CA356875154.
Genomic context (GRCh38, chr4:52,024,051, plus strand): 5'-TGGCAGCCCATGTTCTGGCTGGTTACTTGCACCTTGAAGAGCGTCCCATCAGCACACATG[C>A]AGAGCTTGTAGCGTACCCAGTCACCACTACCCAACTGGTCTCCACTGGAGGAACTGGGTA-3'
Protein context (NP_000223.1, residues 278-298): GSGDWVRYKL[Cys288Phe]MCADGTLFKV

ClinVar aggregate classification (germline): Uncertain significance (1 of 4 stars; one submission).

Conditions:
Autosomal recessive limb-girdle muscular dystrophy type 2E (LGMDR4). Also called: MUSCULAR DYSTROPHY, LIMB-GIRDLE, AUTOSOMAL RECESSIVE 4. Identifiers: Orphanet 119, MedGen C1858593, MONDO:0011423, OMIM 604286. Disease mechanism: Affects gamma-sarcoglycan and also disrupts the integrity of the entire sarcoglycan complex..

Allele frequency attached by ClinVar (database versions not stated): gnomAD exomes below 0.00001; TOPMed below 0.00001; gnomAD 0.00001.
gnomAD v4.1: 3 of 1,613,966 alleles (0.00019%); highest among the groups gnomAD compares: Non-Finnish European, 0.00025%; no homozygotes.

Submission:

Labcorp Genetics (formerly Invitae), Labcorp
Classification: Uncertain significance for Autosomal recessive limb-girdle muscular dystrophy type 2E. Last evaluated: 2023-08-04. Review status: criteria provided, single submitter. Criteria: Invitae Variant Classification Sherloc (09022015). Collection method: clinical testing. Allele origin: germline.
Comment: In summary, the available evidence is currently insufficient to determine the role of this variant in disease. Therefore, it has been classified as a Variant of Uncertain Significance. Advanced modeling of protein sequence and biophysical properties (such as structural, functional, and spatial information, amino acid conservation, physicochemical variation, residue mobility, and thermodynamic stability) performed at Invitae indicates that this missense variant is expected to disrupt SGCB protein function. ClinVar contains an entry for this variant (Variation ID: 2191739). This variant has not been reported in the literature in individuals affected with SGCB-related conditions. This variant is not present in population databases (gnomAD no frequency). This sequence change replaces cysteine, which is neutral and slightly polar, with phenylalanine, which is neutral and non-polar, at codon 288 of the SGCB protein (p.Cys288Phe).